The following is an entry in ClinVar:

NM_130839.5(UBE3A):c.607del (p.Asp203fs)

Genes: SNHG14 (small nucleolar RNA host gene 14; plus strand), UBE3A (ubiquitin protein ligase E3A; minus strand). Cytogenetic location: 15q11.2.
Variant type: Deletion.
Coding change: c.607del on transcript NM_130839.5 (MANE Select); coding-DNA position 607, one base deleted (G; older notation c.607delG).
Protein change: p.Asp203fs; shifts the reading frame from aspartic acid 203.
Molecular consequence: frameshift variant. On other transcripts: non-coding transcript variant (1), intron variant (2).
Genome position (GRCh38, 1-based): chr15:25,371,567, C deleted on the plus strand (G on the coding strand, the reverse complement: UBE3A is on the minus strand). VCF-style (leftmost placement, unchanged base first): chr15-25371566-TC-T. GRCh37 (hg19) VCF-style: chr15-25616713-TC-T.
Other names: c.616del, p.Asp206fs (NM_000462.5); c.607del, p.Asp203fs (NM_001354505.1, NM_001354538.2, NM_001354545.2); c.547del, p.Asp183fs (NM_001354506.2, NM_001354507.2, NM_001354508.2 and 17 more transcripts); c.430del, p.Asp144fs (NM_001354546.2); c.301+3898del (NM_001354551.2); c.361+3898del (NM_001354550.2); short protein forms D144fs, D203fs, D183fs, D206fs.
Identifiers: ClinVar variation 136195 (VCV000136195.1), dbSNP rs587780573, ClinGen allele CA333464.

ClinVar aggregate classification (germline): Pathogenic (0 of 4 stars; one submission).

Conditions:
Angelman syndrome (AS). Also called: HAPPY PUPPET SYNDROME. Identifiers: Orphanet 72, MedGen C0162635, MONDO:0007113, OMIM 105830. Disease mechanism: loss of function. Inheritance: AS is caused by disruption of maternally imprinted UBE3A located within the 15q11.2-q13 Angelman syndrome/Prader-Willi syndrome (AS/PWS) region., imprinting disorder.

Submission:

Baylor Genetics
Classification: Pathogenic for Angelman Syndrome. Last evaluated: 2014-02-14. Review status: no assertion criteria provided. Collection method: clinical testing. Allele origin: germline. Affected: yes. Observed: 1 variant allele. Study: UBE3A Mutation Study.
Comment: Data collected from clinical UBE3A sequence analysis results

Literature cited by the submitters: PubMed 25212744.